The following is an entry in ClinVar:

NM_015474.4(SAMHD1):c.1674C>G (p.Asp558Glu)

Gene: SAMHD1 (SAM and HD domain containing deoxynucleoside triphosphate triphosphohydrolase 1; minus strand). Cytogenetic location: 20q11.23.
Variant type: single nucleotide variant.
Coding change: c.1674C>G on transcript NM_015474.4 (MANE Select); coding-DNA position 1674, C replaced by G.
Protein change: p.Asp558Glu; replaces aspartic acid 558 with glutamic acid.
Molecular consequence: missense variant.
Genome position (GRCh38, 1-based): chr20:36,897,894, G>C on the plus strand (C>G on the coding strand, the complement: SAMHD1 is on the minus strand). VCF-style: chr20-36897894-G-C. GRCh37 (hg19) VCF-style: chr20-35526297-G-C.
Other names: c.1569C>G, p.Asp523Glu (NM_001363729.2); c.1674C>G, p.Asp558Glu (NM_001363733.2); short protein forms D523E, D558E.
Identifiers: ClinVar variation 946981 (VCV000946981.9), dbSNP rs1252711773, ClinGen allele CA408839473.

ClinVar aggregate classification (germline): Uncertain significance (1 of 4 stars; one submission).

Conditions:
Aicardi-Goutieres syndrome 5. Identifiers: Orphanet 51, MedGen C2749659, MONDO:0013059, OMIM 612952.

gnomAD v4.1: 1 of 1,614,146 alleles (0.000062%); highest among the groups gnomAD compares: Non-Finnish European, 0.000085%; no homozygotes.

Submission:

Labcorp Genetics (formerly Invitae), Labcorp
Classification: Uncertain significance for Aicardi-Goutieres syndrome 5. Last evaluated: 2019-04-01. Review status: criteria provided, single submitter. Criteria: Invitae Variant Classification Sherloc (09022015). Collection method: clinical testing. Allele origin: germline.
Comment: This variant has not been reported in the literature in individuals with SAMHD1-related conditions. This variant is not present in population databases (ExAC no frequency). This sequence change replaces aspartic acid with glutamic acid at codon 558 of the SAMHD1 protein (p.Asp558Glu). The aspartic acid residue is weakly conserved and there is a small physicochemical difference between aspartic acid and glutamic acid. In summary, the available evidence is currently insufficient to determine the role of this variant in disease. Therefore, it has been classified as a Variant of Uncertain Significance. Algorithms developed to predict the effect of missense changes on protein structure and function (SIFT, PolyPhen-2, Align-GVGD) all suggest that this variant is likely to be tolerated, but these predictions have not been confirmed by published functional studies and their clinical significance is uncertain.